The following is an entry in ClinVar:

ClinVar aggregate classification (germline): Uncertain significance. Review status: criteria provided, multiple submitters, no conflicts (2 of 4 stars). 2 submissions from 2 submitters: Uncertain significance (2). Last evaluated 2025-09-16.

Conditions:
Epidermolysis bullosa simplex 5C, with pyloric atresia (EBS5C). Also called: PLEC-Related Epidermolysis Bullosa with Pyloric Atresia; Epidermolysis bullosa simplex with pyloric atresia; PLEC1-Related Epidermolysis Bullosa with Pyloric Atresia. Identifiers: Orphanet 158684, MedGen C2677349, MONDO:0012807, OMIM 612138.
Epidermolysis bullosa simplex 5B, with muscular dystrophy (EBS5B). Also called: Epidermolysis bullosa simplex with muscular dystrophy; EPIDERMOLYSIS BULLOSA SIMPLEX AND LIMB-GIRDLE MUSCULAR DYSTROPHY. Identifiers: Orphanet 257, MedGen C2931072, MONDO:0009181, OMIM 226670.
Epidermolysis bullosa simplex, Ogna type (EBS5A). Also called: Pidermolysis bullosa simplex 5A, Ogna type; EPIDERMOLYSIS BULLOSA SIMPLEX 5A, OGNA TYPE. Identifiers: Orphanet 79401, MedGen C0432317, MONDO:0007555, OMIM 131950.
Autosomal recessive limb-girdle muscular dystrophy type 2Q (LGMDR17). Also called: MUSCULAR DYSTROPHY, LIMB-GIRDLE, AUTOSOMAL RECESSIVE 17. Identifiers: Orphanet 254361, MedGen C3150989, MONDO:0013390, OMIM 613723.
Epidermolysis bullosa simplex with nail dystrophy (EBS5D). Identifiers: MedGen C4225309, MONDO:0014661, OMIM 616487.

Allele frequency attached by ClinVar (database versions not stated): ExAC below 0.00001; gnomAD 0.00005 and 0.00004; TOPMed 0.00008; gnomAD exomes 0.00001 and 0.00004.
gnomAD v4.1: 69 of 1,591,742 alleles (0.0043%); highest among the groups gnomAD compares: Non-Finnish European, 0.0048%; no homozygotes.

Submissions (2):

Labcorp Genetics (formerly Invitae), Labcorp
Classification: Uncertain significance for Autosomal recessive limb-girdle muscular dystrophy type 2Q; Epidermolysis bullosa simplex, Ogna type; Epidermolysis bullosa simplex with nail dystrophy; Epidermolysis bullosa simplex 5C, with pyloric atresia; Epidermolysis bullosa simplex 5B, with muscular dystrophy. Last evaluated: 2025-09-16. Review status: criteria provided, single submitter. Criteria: Invitae Variant Classification Sherloc (09022015). Collection method: clinical testing. Allele origin: germline.
Comment: This sequence change replaces alanine, which is neutral and non-polar, with valine, which is neutral and non-polar, at codon 1438 of the PLEC protein (p.Ala1438Val). This variant is present in population databases (rs781828866, gnomAD 0.003%). This variant has not been reported in the literature in individuals affected with PLEC-related conditions. ClinVar contains an entry for this variant (Variation ID: 949498). Invitae Evidence Modeling of protein sequence and biophysical properties (such as structural, functional, and spatial information, amino acid conservation, physicochemical variation, residue mobility, and thermodynamic stability) indicates that this missense variant is not expected to disrupt PLEC protein function with a negative predictive value of 80%. In summary, the available evidence is currently insufficient to determine the role of this variant in disease. Therefore, it has been classified as a Variant of Uncertain Significance.

Revvity Omics, Revvity
Classification: Uncertain significance. Last evaluated: 2022-03-23. Review status: criteria provided, single submitter. Criteria: ACMG Guidelines, 2015. Collection method: clinical testing. Allele origin: germline.

NM_201384.3(PLEC):c.4232C>T (p.Ala1411Val)

Gene: PLEC (plectin; minus strand). Cytogenetic location: 8q24.3.
Variant type: single nucleotide variant.
Coding change: c.4232C>T on transcript NM_201384.3 (MANE Select); coding-DNA position 4232, C replaced by T.
Protein change: p.Ala1411Val; replaces alanine 1411 with valine.
Molecular consequence: missense variant.
Genome position (GRCh38, 1-based): chr8:143,925,697, G>A on the plus strand (C>T on the coding strand, the complement: PLEC is on the minus strand). VCF-style: chr8-143925697-G-A. GRCh37 (hg19) VCF-style: chr8-144999865-G-A.
Other names: c.4313C>T, p.Ala1438Val (NM_000445.5); c.4190C>T, p.Ala1397Val (NM_201378.4); c.4166C>T, p.Ala1389Val (NM_201379.3); c.4643C>T, p.Ala1548Val (NM_201380.4); c.4136C>T, p.Ala1379Val (NM_201381.3); c.4232C>T, p.Ala1411Val (NM_201382.4); c.4244C>T, p.Ala1415Val (NM_201383.3); short protein forms A1379V, A1389V, A1415V, A1411V, A1438V, A1548V, A1397V.
Identifiers: ClinVar variation 949498 (VCV000949498.9), dbSNP rs781828866, ClinGen allele CA4926726.
Genomic context (GRCh38, chr8:143,925,697, plus strand): 5'-GCCTCCGAGCTCTGCCGCAGCTGCTGCAGCTCCTCCTGAATGCTGCGCTTCTGCTGCTGC[G>A]CGTCCACCGCCGCCTCCTCCCGCCGCACCACCTCCTCCTGCATGCGCTGCTGCAGCTCCT-3'
Protein context (NP_958786.1, residues 1401-1421): VVRREEAAVD[Ala1411Val]QQQKRSIQEE